The following is an entry in ClinVar:

NM_001430.5(EPAS1):c.77G>A (p.Arg26Gln)

Gene: EPAS1 (endothelial PAS domain protein 1; plus strand). Cytogenetic location: 2p21.
Variant type: single nucleotide variant.
Coding change: c.77G>A on transcript NM_001430.5 (MANE Select); coding-DNA position 77, G replaced by A.
Protein change: p.Arg26Gln; replaces arginine 26 with glutamine.
Molecular consequence: missense variant.
Genome position (GRCh38, 1-based): chr2:46,346,923, G>A. VCF-style: chr2-46346923-G-A. GRCh37 (hg19) VCF-style: chr2-46574062-G-A.
Other names: short protein forms R26Q.
Identifiers: ClinVar variation 1760686 (VCV001760686.2), dbSNP rs1684040937, ClinGen allele CA346696944.

ClinVar aggregate classification (germline): Uncertain significance (1 of 4 stars; one submission).

Conditions:
Inborn genetic diseases. Identifiers: MedGen C0950123, MeSH D030342.

Allele frequency attached by ClinVar (database versions not stated): gnomAD exomes below 0.00001; TOPMed below 0.00001; gnomAD 0.00001.
gnomAD v4.1: 3 of 1,614,086 alleles (0.00019%); highest among the groups gnomAD compares: Non-Finnish European, 0.00025%; no homozygotes.

Submission:

Ambry Genetics
Classification: Uncertain significance for Inborn genetic diseases. Last evaluated: 2021-10-17. Review status: criteria provided, single submitter. Criteria: Ambry Variant Classification Scheme 2023. Collection method: clinical testing. Allele origin: germline.
Comment: The p.R26Q variant (also known as c.77G>A), located in coding exon 2 of the EPAS1 gene, results from a G to A substitution at nucleotide position 77. The arginine at codon 26 is replaced by glutamine, an amino acid with highly similar properties. This amino acid position is conserved. In addition, this alteration is predicted to be deleterious by in silico analysis. Since supporting evidence is limited at this time, the clinical significance of this alteration remains unclear.